The following is an entry in ClinVar:

ClinVar aggregate classification (germline): Pathogenic/Likely pathogenic. Review status: criteria provided, multiple submitters, no conflicts (2 of 4 stars). 13 submissions from 13 submitters: Pathogenic (10); Likely pathogenic (3). Last evaluated 2026-05-08.

Conditions:
COL4A5-related disorder. Also called: COL4A5-related condition.
COL4A5-related disorders.
X-linked Alport syndrome (ATS1). Also called: NEPHROPATHY AND DEAFNESS, X-LINKED; COL4A5-Related Nephropathy. Identifiers: Orphanet 63, Orphanet 88917, MedGen C4746986, MONDO:0010520, OMIM 301050.

Allele frequency attached by ClinVar (database versions not stated): gnomAD exomes below 0.00001; TOPMed below 0.00001.
gnomAD v4.1: 3 of 1,206,711 alleles (0.00025%); highest among the groups gnomAD compares: Non-Finnish European, 0.00022%; no homozygotes.

Submissions (13):

Institute of Human Genetics, Heidelberg University
Classification: Pathogenic for X-linked Alport syndrome. Last evaluated: 2026-05-08. Review status: criteria provided, single submitter. Criteria: ACMG Guidelines, 2015. Collection method: clinical testing. Allele origin: unknown. Affected: yes. Observed: 1 variant allele.
Comment: PM1_mod, PS4_mod, PP3_str, PP4_mod

Women's Health and Genetics/Laboratory Corporation of America, LabCorp
Classification: Pathogenic for X-linked Alport syndrome. Last evaluated: 2026-05-05. Review status: criteria provided, single submitter. Criteria: LabCorp Variant Classification Summary - May 2015. Collection method: clinical testing. Allele origin: germline.
Comment: Variant summary: COL4A5 c.3427G>A (p.Gly1143Ser) results in a non-conservative amino acid change in the encoded protein sequence. Algorithms developed to predict the effect of missense changes on protein structure and function all suggest that this variant is likely to be disruptive. This variant disrupts the triple helix domain of COL4A5. Glycine residues within the Gly-Xaa-Yaa repeats of the triple helix domain are required for the structure and stability of fibrillar collagens (PMID: 7695699, 8218237, 19344236). The variant was absent in 179941 control chromosomes (gnomAD). c.3427G>A has been observed in multiple individuals affected with X-Linked Alport Syndrome (e.g. Renieri_1994). These data indicate that the variant is very likely to be associated with disease. The following publication has been ascertained in the context of this evaluation (PMID: 7969679). ClinVar contains an entry for this variant (Variation ID: 24630). Based on the evidence outlined above, the variant was classified as pathogenic.

Labcorp Genetics (formerly Invitae), Labcorp
Classification: Pathogenic. Last evaluated: 2026-01-17. Review status: criteria provided, single submitter. Criteria: Invitae Variant Classification Sherloc (09022015). Collection method: clinical testing. Allele origin: germline.
Comment: This sequence change replaces glycine, which is neutral and non-polar, with serine, which is neutral and polar, at codon 1143 of the COL4A5 protein (p.Gly1143Ser). This variant is not present in population databases (gnomAD no frequency). This missense change has been observed in individual(s) with X-linked dominant Alport syndrome (PMID: 7969679). It has also been observed to segregate with disease in related individuals. ClinVar contains an entry for this variant (Variation ID: 24630). Invitae Evidence Modeling of protein sequence and biophysical properties (such as structural, functional, and spatial information, amino acid conservation, physicochemical variation, residue mobility, and thermodynamic stability) indicates that this missense variant is expected to disrupt COL4A5 protein function with a positive predictive value of 95%. This variant disrupts the triple helix domain of COL4A5. Glycine residues within the Gly-Xaa-Yaa repeats of the triple helix domain are required for the structure and stability of fibrillar collagens (PMID: 7695699, 8218237, 19344236). In COL4A5, missense variants at these glycine residues are significantly enriched in individuals with disease (PMID: 23720012, 27627812) compared to the general population (ExAC). For these reasons, this variant has been classified as Pathogenic.

PreventionGenetics, part of Exact Sciences
Classification: Pathogenic for COL4A5-related condition. Last evaluated: 2025-05-19. Review status: criteria provided, single submitter. Criteria: ACMG Guidelines, 2015. Collection method: clinical testing. Allele origin: germline.
Comment: The COL4A5 c.3427G>A variant is predicted to result in the amino acid substitution p.Gly1143Ser. This variant has been reported to be causative for X-linked Alport Syndrome (see for examples: Renieri et al. 1994. PubMed ID: 7969679; Stapleton et al. 2019. PubMed ID: 31865346). The p.Gly1143Ser residue resides in the triple-helical region (residues 42 – 1456) of the COL4A5 protein. The majority of pathogenic variants in COL4A5 substitute a glycine residue to a bulkier amino acid in the triple-helical domain (Hudson et al. 1993. PubMed ID: 8253711). This variant has not been reported in a large population database (gnomAD), indicating this variant is rare. This variant is interpreted as pathogenic.

CeGaT Center for Human Genetics Tuebingen
Classification: Likely pathogenic. Last evaluated: 2025-05-01. Review status: criteria provided, single submitter. Criteria: CeGaT Center For Human Genetics Tuebingen Variant Classification Criteria Version 2. Collection method: clinical testing. Allele origin: germline. Affected: yes. Observed: 2 variant alleles.
Comment: COL4A5: PM2, PM5, PS4:Moderate, PP3, PS3:Supporting

GeneDx
Classification: Pathogenic. Last evaluated: 2024-08-19. Review status: criteria provided, single submitter. Criteria: GeneDx Variant Classification Process June 2021. Collection method: clinical testing. Allele origin: germline. Affected: yes.
Comment: Affects a glycine residue in a Gly-X-Y motif in the triple helical region of the COL4A5 gene, where the majority of pathogenic missense variants occur, and is predicted to disrupt normal protein folding and function (PMID: 10752524); Reported in multiple individuals with Alport syndrome belonging to a single family in published literature; however, data is limited (PMID: 7969679, 8651296); Not observed at significant frequency in large population cohorts (gnomAD); In silico analysis supports that this missense variant has a deleterious effect on protein structure/function; This variant is associated with the following publications: (PMID: 25525159, 8651296, 7969679, 24077912, 10752524, 8249544, 31865346, 30586318, 32405592, 31027891, 35064937)

Fulgent Genetics
Classification: Pathogenic for X-linked Alport syndrome. Last evaluated: 2024-04-24. Review status: criteria provided, single submitter. Criteria: ACMG Guidelines, 2015. Collection method: clinical testing. Allele origin: germline.

Centre de Génétique Humaine, Institut de Pathologie Et de Génétique
Classification: Pathogenic for X-linked Alport syndrome. Last evaluated: 2023-07-03. Review status: criteria provided, single submitter. Criteria: ACMG Guidelines, 2015. Collection method: clinical testing. Allele origin: maternal, germline. Inheritance: X-linked dominant inheritance. Affected: yes. Observed: 3 variant alleles, 2 heterozygotes, 1 hemizygote. Clinical features observed: Microscopic hematuria (HP:0002907), Macroscopic hematuria (HP:0012587), Severe albuminuria (HP:0033066), Chronic kidney disease (HP:0012622), Sensorineural hearing loss disorder (HP:0000407), Stage 4 chronic kidney disease (HP:0012626), Proteinuria (HP:0000093). Segregation with disease observed.
Comment: This missense variant involves a highly conserved glycine located in a ‘Gly-X-Y’ motif in collagenous region, which is characteristic of the pathogenic variants identified in the COL4A5 gene (PM1,PP2). This variant is rare: allelic frequency of 0.00025% in gnomAD v4.1.0 database (PM2). Functional in vitro studies of this variant showed a secretion-dependent partial defect in a trimer formation assay, PMID: 32405592 (PS3). Two other missense variant affecting the same residue described as disease causing: c.3428G>A, p.(Gly1143Asp), PMID: 1598909 and c.3428G>T, p.(Gly1143Val), PMID: 32607233 (PM5). In silico analysis supports that this missense variant has a deleterious effect (PP3). Described as P/LP in ClinVar and in patiens with X-linked AS, cosegregation in described families (PP1, PP5 strong)

Blueprint Genetics
Classification: Pathogenic for COL4A5-related disorders. Last evaluated: 2023-02-10. Review status: criteria provided, single submitter. Criteria: ACMG Guidelines, 2015. Collection method: clinical testing. Allele origin: germline. Affected: yes. Observed: 3 variant alleles.

Institute of Human Genetics Munich, TUM University Hospital
Classification: Pathogenic for X-linked Alport syndrome. Last evaluated: 2022-03-08. Review status: criteria provided, single submitter. Criteria: Classification criteria August 2017. Collection method: clinical testing. Allele origin: germline. Inheritance: X-linked inheritance. Affected: yes. Observed: 1 variant allele.

Gharavi Laboratory, Columbia University
Classification: Likely pathogenic. Last evaluated: 2018-09-16. Review status: criteria provided, single submitter. Criteria: ACMG Guidelines, 2015. Collection method: research. Allele origin: germline. Affected: yes.

Institute of Human Genetics, University of Leipzig Medical Center
Classification: Likely pathogenic for X-linked Alport syndrome. Last evaluated: 2017-12-12. Review status: criteria provided, single submitter. Criteria: ACMG Guidelines, 2015. Collection method: clinical testing. Allele origin: germline. Affected: yes. Observed: 1 variant allele.

Molecular Diagnostics Laboratory, M Health Fairview: University of Minnesota
Classification: Pathogenic for X-linked Alport syndrome. Last evaluated: 2017-02-23. Review status: criteria provided, single submitter. Criteria: ACMG Guidelines, 2015. Collection method: clinical testing. Allele origin: germline. Affected: yes. Observed: 1 variant allele.

Literature cited by the submitters: PubMed 7969679 (cited by 4 submitters); PubMed 7695699 (cited by Labcorp Genetics (formerly Invitae), Labcorp); PubMed 8218237 (cited by Labcorp Genetics (formerly Invitae), Labcorp); PubMed 19344236 (cited by Labcorp Genetics (formerly Invitae), Labcorp); PubMed 23720012 (cited by Labcorp Genetics (formerly Invitae), Labcorp); PubMed 27627812 (cited by Labcorp Genetics (formerly Invitae), Labcorp); PubMed 31865346 (cited by Centre de Génétique Humaine, Institut de Pathologie Et de Génétique); PubMed 32203225 (cited by Centre de Génétique Humaine, Institut de Pathologie Et de Génétique); PubMed 32405592 (cited by Centre de Génétique Humaine, Institut de Pathologie Et de Génétique); PubMed 35064937 (cited by Centre de Génétique Humaine, Institut de Pathologie Et de Génétique); PubMed 38249544 (cited by Centre de Génétique Humaine, Institut de Pathologie Et de Génétique); PubMed 8651296 (cited by Molecular Diagnostics Laboratory, M Health Fairview: University of Minnesota); PubMed 1598909 (cited by Molecular Diagnostics Laboratory, M Health Fairview: University of Minnesota).

NM_033380.3(COL4A5):c.3427G>A (p.Gly1143Ser)

Gene: COL4A5 (collagen type IV alpha 5 chain; plus strand). Cytogenetic location: Xq22.3.
Variant type: single nucleotide variant.
Coding change: c.3427G>A on transcript NM_033380.3 (MANE Select); coding-DNA position 3427, G replaced by A.
Protein change: p.Gly1143Ser; replaces glycine 1143 with serine.
Molecular consequence: missense variant.
Genome position (GRCh38, 1-based): chrX:108,665,560, G>A. VCF-style: chrX-108665560-G-A. GRCh37 (hg19) VCF-style: chrX-107908790-G-A.
Other names: p.(Gly1143Ser); c.3427G>A, p.Gly1143Ser (NM_000495.5); short protein forms G1143S.
Identifiers: ClinVar variation 24630 (VCV000024630.52), dbSNP rs104886228, ClinGen allele CA258865.